The following is an entry in ClinVar:

ClinVar aggregate classification (germline): Uncertain significance (1 of 4 stars; one submission).

Conditions:
Shprintzen-Goldberg syndrome (SGS). Also called: Marfanoid disorder with craniosynostosis type 1; Marfanoid craniosynostosis syndrome; Shprintzen-Goldberg marfanoid syndrome; SHPRINTZEN-GOLDBERG CRANIOSYNOSTOSIS SYNDROME; CRANIOSYNOSTOSIS WITH ARACHNODACTYLY AND ABDOMINAL HERNIAS. Identifiers: Orphanet 2462, MedGen C1321551, MONDO:0008426, OMIM 182212.

Submission:

Labcorp Genetics (formerly Invitae), Labcorp
Classification: Uncertain significance for Shprintzen-Goldberg syndrome. Last evaluated: 2024-04-27. Review status: criteria provided, single submitter. Criteria: Invitae Variant Classification Sherloc (09022015). Collection method: clinical testing. Allele origin: germline.
Comment: This variant, c.1891_1893del, results in the deletion of 1 amino acid(s) of the SKI protein (p.Asn631del), but otherwise preserves the integrity of the reading frame. This variant is present in population databases (rs759793456, gnomAD 0.001%). This variant has not been reported in the literature in individuals affected with SKI-related conditions. Experimental studies and prediction algorithms are not available or were not evaluated, and the functional significance of this variant is currently unknown. In summary, the available evidence is currently insufficient to determine the role of this variant in disease. Therefore, it has been classified as a Variant of Uncertain Significance.

NM_003036.4(SKI):c.1891_1893del (p.Asn631del)

Gene: SKI (SKI proto-oncogene; plus strand). Cytogenetic location: 1p36.32.
Variant type: Deletion.
Coding change: c.1891_1893del on transcript NM_003036.4 (MANE Select); coding-DNA positions 1891 to 1893, 3 bases deleted (AAC; older notation c.1891_1893delAAC).
Protein change: p.Asn631del; deletes asparagine 631.
Genome position (GRCh38, 1-based): chr1:2,306,143-2,306,145, AAC deleted; deleting any 3 consecutive bases within chr1:2,306,142-2,306,145 gives the same sequence; the c. name uses the placement nearest the transcript's 3' end. VCF-style (leftmost placement, unchanged base first): chr1-2306141-CCAA-C. GRCh37 (hg19) VCF-style: chr1-2237580-CCAA-C.
Other names: short protein forms N631del.
Identifiers: ClinVar variation 3672259 (VCV003672259.2).
Genomic context (GRCh38, chr1:2,306,141, plus strand): 5'-GTAACCTGCGGAAGGAGATCGAGCGTCTCCGCGCCGAGAACGAGAAGAAGATGAAAGAGG[CCAA>C]CGAGTCACGGCTGCGCCTGAAGCGGGAGCTGGAGCAGGCGCGGCAGGCCCGGGTGTGCGA-3'